The following is an entry in ClinVar:

ClinVar aggregate classification (germline): Likely pathogenic (0 of 4 stars; one submission).

Conditions:
Abnormality of the eye. Identifiers: MedGen C4316870, HP:0000478.

Submission:

NIHR Bioresource Rare Diseases, University of Cambridge
Classification: Likely pathogenic for Disorder of eye. Last evaluated: 2015-01-01. Review status: no assertion criteria provided. Collection method: research. Allele origin: unknown. Affected: yes. Observed: 1 variant allele.
Comment: Undetermined rare ocular disorder with frequency of less than eight patients

Literature cited by the submitters: PubMed 28041643.

NM_006915.3(RP2):c.43del (p.Ser15fs)

Genes: RP2 (RP2 activator of ARL3 GTPase; plus strand), LOC130068202 (ATAC-STARR-seq lymphoblastoid active region 29577; plus strand). Cytogenetic location: Xp11.3.
Variant type: Deletion.
Coding change: c.43del on transcript NM_006915.3 (MANE Select); coding-DNA position 43, one base deleted (T; older notation c.43delT).
Protein change: p.Ser15fs; shifts the reading frame from serine 15.
Molecular consequence: frameshift variant.
Genome position (GRCh38, 1-based): chrX:46,837,143, T deleted. VCF-style (leftmost placement, unchanged base first): chrX-46837142-GT-G. GRCh37 (hg19) VCF-style: chrX-46696577-GT-G.
Other names: short protein forms S15fs.
Identifiers: ClinVar variation 437945 (VCV000437945.2), dbSNP rs1556313474, ClinGen allele CA645509227.